The following is an entry in ClinVar:

ClinVar aggregate classification (germline): Uncertain significance. Review status: criteria provided, multiple submitters, no conflicts (2 of 4 stars). 6 submissions from 6 submitters: Uncertain significance (6). Last evaluated 2026-08-07.

Conditions:
Autosomal recessive polycystic kidney disease (ARPKD). Also called: AR polycystic kidney disease. Identifiers: Orphanet 731, Orphanet 8378, MedGen C0085548, MeSH D017044, MONDO:0009889.
PKHD1-related disorder. Also called: PKHD1-related condition.
Polycystic kidney disease 4 (PKD4). Also called: POLYCYSTIC KIDNEY DISEASE 4 WITH OR WITHOUT POLYCYSTIC LIVER DISEASE; Autosomal Recessive Polycystic Kidney Disease – PKHD1; PKD3; POLYCYSTIC KIDNEY AND HEPATIC DISEASE 1; POLYCYSTIC KIDNEY DISEASE, INFANTILE, TYPE I. Identifiers: MedGen C4540575, MONDO:0033004, OMIM 263200.

Allele frequency attached by ClinVar (database versions not stated): gnomAD exomes 0.00014 and 0.00008; TOPMed 0.00014; gnomAD 0.00006 and 0.00007; ExAC 0.00008; ESP Exome Variant Server 0.00008.
gnomAD v4.1: 134 of 1,611,828 alleles (0.0083%); highest among the groups gnomAD compares: East Asian, 0.029%; no homozygotes.

Submissions (6):

PreventionGenetics, part of Exact Sciences
Classification: Uncertain significance for PKHD1-related condition. Last evaluated: 2026-08-07. Review status: criteria provided, single submitter. Criteria: ACMG Guidelines, 2015. Collection method: clinical testing. Allele origin: germline.
Comment: The PKHD1 c.6779A>G variant is predicted to result in the amino acid substitution p.Tyr2260Cys. This variant has been reported in the compound heterozygous state in an individual with progressive familial intrahepatic cholestasis (Table 1, Herbst et al. 2015. PubMed ID: 25771912). This variant is reported in 0.097% of alleles in individuals of Ashkenazi Jewish descent in gnomAD. At this time, the clinical significance of this variant is uncertain due to the absence of conclusive functional and genetic evidence.

Fulgent Genetics
Classification: Uncertain significance for Polycystic kidney disease 4. Last evaluated: 2024-05-07. Review status: criteria provided, single submitter. Criteria: ACMG Guidelines, 2015. Collection method: clinical testing. Allele origin: germline.

Labcorp Genetics (formerly Invitae), Labcorp
Classification: Uncertain significance for Autosomal recessive polycystic kidney disease. Last evaluated: 2022-08-16. Review status: criteria provided, single submitter. Criteria: Invitae Variant Classification Sherloc (09022015). Collection method: clinical testing. Allele origin: germline.
Comment: This sequence change replaces tyrosine, which is neutral and polar, with cysteine, which is neutral and slightly polar, at codon 2260 of the PKHD1 protein (p.Tyr2260Cys). This variant is present in population databases (rs374132086, gnomAD 0.1%). This missense change has been observed in individual(s) with clinical features of polycystic kidney disease (PMID: 25771912). ClinVar contains an entry for this variant (Variation ID: 595136). Advanced modeling of protein sequence and biophysical properties (such as structural, functional, and spatial information, amino acid conservation, physicochemical variation, residue mobility, and thermodynamic stability) performed at Invitae indicates that this missense variant is expected to disrupt PKHD1 protein function. In summary, the available evidence is currently insufficient to determine the role of this variant in disease. Therefore, it has been classified as a Variant of Uncertain Significance.

Department of Pathology and Laboratory Medicine, Sinai Health System
Classification: Uncertain significance for Polycystic kidney disease 4. Last evaluated: 2020-02-27. Review status: criteria provided, single submitter. Criteria: ACMG Guidelines, 2015. Collection method: clinical testing. Allele origin: germline. Affected: no.

Eurofins Ntd Llc (ga)
Classification: Uncertain significance. Last evaluated: 2017-11-22. Review status: criteria provided, single submitter. Criteria: EGL Classification Definitions 2015. Collection method: clinical testing. Allele origin: germline. Observed: 1 variant allele, 1 heterozygote.

Illumina Laboratory Services, Illumina
Classification: Uncertain significance for Polycystic kidney disease 4. Last evaluated: 2017-04-27. Review status: criteria provided, single submitter. Criteria: ICSL Variant Classification Criteria 13 December 2019. Collection method: clinical testing. Allele origin: germline.
Comment: This variant was observed as part of a predisposition screen in an ostensibly healthy population. A literature search was performed for the gene, cDNA change, and amino acid change (where applicable). Publications were found based on this search. However, the evidence from the literature, in combination with allele frequency data from public databases where available, was not sufficient to rule this variant in or out of causing disease. Therefore, this variant is classified as a variant of unknown significance.

Literature cited by the submitters: PubMed 25771912 (cited by 3 submitters).

NM_138694.4(PKHD1):c.6779A>G (p.Tyr2260Cys)

Gene: PKHD1 (PKHD1 ciliary IPT domain containing fibrocystin/polyductin; minus strand). Cytogenetic location: 6p12.2.
Variant type: single nucleotide variant.
Coding change: c.6779A>G on transcript NM_138694.4 (MANE Select); coding-DNA position 6779, A replaced by G.
Protein change: p.Tyr2260Cys; replaces tyrosine 2260 with cysteine.
Molecular consequence: missense variant.
Genome position (GRCh38, 1-based): chr6:51,906,244, T>C on the plus strand (A>G on the coding strand, the complement: PKHD1 is on the minus strand). VCF-style: chr6-51906244-T-C. GRCh37 (hg19) VCF-style: chr6-51771042-T-C.
Other names: c.6779A>G, p.Tyr2260Cys (NM_170724.3); short protein forms Y2260C.
Identifiers: ClinVar variation 595136 (VCV000595136.15), dbSNP rs374132086, ClinGen allele CA3852184.
Genomic context (GRCh38, chr6:51,906,244, plus strand): 5'-TGCAGAAATTCAACAAGCTTGTTTTACTTACCAACTAGCAGCGCATGACCTAAAATATTG[T>C]AGAATACATTACTGTCCACCTTCAGGCCCAAGGTCCCGCACATGCTGAGGCCTCTACTGA-3'
Protein context (NP_619639.3, residues 2250-2270): LGLKVDSNVF[Tyr2260Cys]NILGHALLVG